The following is an entry in ClinVar:

ClinVar aggregate classification (germline): Benign. Review status: criteria provided, multiple submitters, no conflicts (2 of 4 stars). 10 submissions from 9 submitters: Benign (10). Last evaluated 2026-02-01.

Conditions:
Familial cutaneous telangiectasia and oropharyngeal predisposition cancer syndrome. Identifiers: Orphanet 313846, MedGen C3281203, MONDO:0013806, OMIM 614564.
Seckel syndrome 1 (SCKL1). Also called: MICROCEPHALIC PRIMORDIAL DWARFISM I. Identifiers: Orphanet 808, MedGen C4551474, MONDO:0008869, OMIM 210600.

Allele frequency attached by ClinVar (database versions not stated): gnomAD exomes 0.00105 and 0.00236; ExAC 0.00289; 1000 Genomes Project 30x 0.00906; gnomAD 0.00959 and 0.01034; 1000 Genomes Project 0.00978; ESP Exome Variant Server 0.01015; TOPMed 0.01111.
gnomAD v4.1: 3,078 of 1,614,080 alleles (0.19%); highest among the groups gnomAD compares: African/African-American, 3.4%; 60 homozygotes.

Submissions (10):

Labcorp Genetics (formerly Invitae), Labcorp
Classification: Benign. Last evaluated: 2026-02-01. Review status: criteria provided, single submitter. Criteria: Invitae Variant Classification Sherloc (09022015). Collection method: clinical testing. Allele origin: germline.

CeGaT Center for Human Genetics Tuebingen
Classification: Benign. Last evaluated: 2025-03-01. Review status: criteria provided, single submitter. Criteria: CeGaT Center For Human Genetics Tuebingen Variant Classification Criteria Version 2. Collection method: clinical testing. Allele origin: germline. Affected: yes. Observed: 1 variant allele.
Comment: ATR: BP4, BP7, BS1, BS2

ARUP Laboratories, Molecular Genetics and Genomics, ARUP Laboratories
Classification: Benign. Last evaluated: 2023-10-11. Review status: criteria provided, single submitter. Criteria: ARUP Molecular Germline Variant Investigation Process 2024. Collection method: clinical testing. Allele origin: germline.

KCCC/NGS Laboratory, Kuwait Cancer Control Center
Classification: Benign for Familial cutaneous telangiectasia and oropharyngeal predisposition cancer syndrome. Last evaluated: 2023-07-07. Review status: criteria provided, single submitter. Criteria: ACMG Guidelines, 2015. Collection method: clinical testing. Allele origin: germline. Affected: yes.

Genome-Nilou Lab
Classification: Benign for Seckel syndrome 1. Last evaluated: 2023-02-08. Review status: criteria provided, single submitter. Criteria: ACMG Guidelines, 2015. Collection method: clinical testing. Allele origin: germline.

Genome-Nilou Lab
Classification: Benign for Familial cutaneous telangiectasia and oropharyngeal predisposition cancer syndrome. Last evaluated: 2023-02-08. Review status: criteria provided, single submitter. Criteria: ACMG Guidelines, 2015. Collection method: clinical testing. Allele origin: germline.

Illumina Laboratory Services, Illumina
Classification: Benign for Seckel syndrome 1. Last evaluated: 2018-01-12. Review status: criteria provided, single submitter. Criteria: ICSL Variant Classification Criteria 13 December 2019. Collection method: clinical testing. Allele origin: germline.
Comment: This variant was observed in the ICSL laboratory as part of a predisposition screen in an ostensibly healthy population. It had not been previously curated by ICSL or reported in the Human Gene Mutation Database (HGMD: prior to June 1st, 2018), and was therefore a candidate for classification through an automated scoring system. Utilizing variant allele frequency, disease prevalence and penetrance estimates, and inheritance mode, an automated score was calculated to assess if this variant is too frequent to cause the disease. Based on the score and internal cut-off values, a variant classified as benign is not then subjected to further curation. The score for this variant resulted in a classification of benign for this disease.

GeneDx
Classification: Benign. Last evaluated: 2016-12-29. Review status: criteria provided, single submitter. Criteria: GeneDx Variant Classification (06012015). Collection method: clinical testing. Allele origin: germline. Affected: yes.
Comment: This variant is considered likely benign or benign based on one or more of the following criteria: it is a conservative change, it occurs at a poorly conserved position in the protein, it is predicted to be benign by multiple in silico algorithms, and/or has population frequency not consistent with disease.

Genetic Services Laboratory, University of Chicago
Classification: Benign. Last evaluated: 2013-03-04. Review status: criteria provided, single submitter. Criteria: ACMG Guidelines, 2007. Collection method: clinical testing. Allele origin: germline. Inheritance: Autosomal recessive inheritance.

Breakthrough Genomics
Classification: Benign. Review status: criteria provided, single submitter. Criteria: ACMG Guidelines, 2015. Collection method: not provided. Allele origin: germline. Inheritance: Autosomal recessive inheritance. Affected: yes.

NM_001184.4(ATR):c.4002G>A (p.Gln1334=)

Gene: ATR (ATR checkpoint kinase; minus strand). Cytogenetic location: 3q23.
Variant type: single nucleotide variant.
Coding change: c.4002G>A on transcript NM_001184.4 (MANE Select); coding-DNA position 4002, G replaced by A.
Protein change: p.Gln1334=; no amino-acid change (glutamine 1334 retained).
Molecular consequence: synonymous variant.
Genome position (GRCh38, 1-based): chr3:142,524,143, C>T on the plus strand (G>A on the coding strand, the complement: ATR is on the minus strand). VCF-style: chr3-142524143-C-T. GRCh37 (hg19) VCF-style: chr3-142242985-C-T.
Other names: c.3810G>A, p.Gln1270= (NM_001354579.2).
Identifiers: ClinVar variation 157981 (VCV000157981.36), dbSNP rs56026468, ClinGen allele CA171358.